The following is an entry in ClinVar:

ClinVar aggregate classification (germline): Uncertain significance (1 of 4 stars; one submission).

Conditions:
Familial adenomatous polyposis 1 (FAP1). Also called: FAMILIAL ADENOMATOUS POLYPOSIS 1, ATTENUATED; POLYPOSIS, ADENOMATOUS INTESTINAL. Identifiers: MedGen C2713442, MONDO:0021056, OMIM 175100. Disease mechanism: loss of function.

Submission:

Labcorp Genetics (formerly Invitae), Labcorp
Classification: Uncertain significance for Familial adenomatous polyposis 1. Last evaluated: 2025-08-07. Review status: criteria provided, single submitter. Criteria: Invitae Variant Classification Sherloc (09022015). Collection method: clinical testing. Allele origin: germline.
Comment: This variant occurs in a non-coding region of the APC gene. It does not change the encoded amino acid sequence of the APC protein. This variant is not present in population databases (gnomAD no frequency). This variant has not been reported in the literature in individuals affected with APC-related conditions. ClinVar contains an entry for this variant (Variation ID: 469875). Experimental studies and prediction algorithms are not available or were not evaluated, and the functional significance of this variant is currently unknown. In summary, the available evidence is currently insufficient to determine the role of this variant in disease. Therefore, it has been classified as a Variant of Uncertain Significance.

NC_000005.10:g.112707442C>T

Gene: APC (APC regulator of Wnt signaling pathway; plus strand). Cytogenetic location: 5q22.2.
Variant type: single nucleotide variant.
Genome position: GRCh38 VCF-style: chr5-112707442-C-T. GRCh37 (hg19) VCF-style: chr5-112043139-C-T.
Identifiers: ClinVar variation 469875 (VCV000469875.10), dbSNP rs1313658633, ClinGen allele CA658655876.
Genomic context (GRCh38, chr5:112,707,442, plus strand): 5'-ACGGGACAGAACAGCGAAGCAGTGCCCGGCAAGCGGAGCGCAGCACCCATTGCGCCTGCG[C>T]ATAACAGGCTCTAGTCTCCGGGCTGTGGGAAGCCAGCAACACCTCTCACGCATGCGCATT-3'